The following is an entry in ClinVar:

ClinVar aggregate classification (germline): Uncertain significance. Review status: criteria provided, multiple submitters, no conflicts (2 of 4 stars). 3 submissions from 3 submitters: Uncertain significance (3). Last evaluated 2025-07-02.

Conditions:
Acrocallosal syndrome (ACLS). Also called: Schinzel syndrome 1; Absence of corpus callosum with unusual facial appearance, mental deficiency, duplication of the halluces and polydactyly; HALLUX DUPLICATION, POSTAXIAL POLYDACTYLY, AND ABSENCE OF CORPUS CALLOSUM. Identifiers: Orphanet 36, MedGen C0796147, MONDO:0008708, OMIM 200990.
Multiple epiphyseal dysplasia, Al-Gazali type. Also called: Macrocephaly with multiple epiphyseal dysplasia and distinctive facies. Identifiers: Orphanet 166024, MedGen C1846722, MONDO:0011778, OMIM 607131.
Hydrolethalus syndrome 2 (HLS2). Identifiers: Orphanet 2189, MedGen C3279899, MONDO:0013585, OMIM 614120.
Inborn genetic diseases. Identifiers: MedGen C0950123, MeSH D030342.

Allele frequency attached by ClinVar (database versions not stated): gnomAD 0.00001; TOPMed 0.00002.
gnomAD v4.1: 3 of 1,130,084 alleles (0.00027%); highest among the groups gnomAD compares: Non-Finnish European, 0.00033%; no homozygotes.

Submissions (3):

Ambry Genetics
Classification: Uncertain significance for Inborn genetic diseases. Last evaluated: 2025-07-02. Review status: criteria provided, single submitter. Criteria: Ambry Variant Classification Scheme 2023. Collection method: clinical testing. Allele origin: germline.

Fulgent Genetics
Classification: Uncertain significance for Acrocallosal syndrome; Multiple epiphyseal dysplasia, Al-Gazali type; Hydrolethalus syndrome 2. Last evaluated: 2024-02-06. Review status: criteria provided, single submitter. Criteria: ACMG Guidelines, 2015. Collection method: clinical testing. Allele origin: germline.

Labcorp Genetics (formerly Invitae), Labcorp
Classification: Uncertain significance for Acrocallosal syndrome. Last evaluated: 2021-08-11. Review status: criteria provided, single submitter. Criteria: Invitae Variant Classification Sherloc (09022015). Collection method: clinical testing. Allele origin: germline.
Comment: This sequence change replaces glutamic acid with lysine at codon 429 of the KIF7 protein (p.Glu429Lys). The glutamic acid residue is weakly conserved and there is a small physicochemical difference between glutamic acid and lysine. The frequency data for this variant in the population databases is considered unreliable, as metrics indicate insufficient coverage at this position in the ExAC database. This variant has not been reported in the literature in individuals affected with KIF7-related conditions. Algorithms developed to predict the effect of missense changes on protein structure and function are either unavailable or do not agree on the potential impact of this missense change (SIFT: "Tolerated"; PolyPhen-2: "Possibly Damaging"; Align-GVGD: "Class C0"). In summary, the available evidence is currently insufficient to determine the role of this variant in disease. Therefore, it has been classified as a Variant of Uncertain Significance.

NM_198525.3(KIF7):c.1285G>A (p.Glu429Lys)

Gene: KIF7 (kinesin family member 7; minus strand). Cytogenetic location: 15q26.1.
Variant type: single nucleotide variant.
Coding change: c.1285G>A on transcript NM_198525.3 (MANE Select); coding-DNA position 1285, G replaced by A.
Protein change: p.Glu429Lys; replaces glutamic acid 429 with lysine.
Molecular consequence: missense variant.
Genome position (GRCh38, 1-based): chr15:89,648,413, C>T on the plus strand (G>A on the coding strand, the complement: KIF7 is on the minus strand). VCF-style: chr15-89648413-C-T. GRCh37 (hg19) VCF-style: chr15-90191644-C-T.
Other names: c.1285G>A (NM_198525.2); short protein forms E429K.
Identifiers: ClinVar variation 1392996 (VCV001392996.5), dbSNP rs946190172, ClinGen allele CA274582470.